The following is an entry in ClinVar:

ClinVar aggregate classification (germline): Conflicting classifications of pathogenicity. Review status: criteria provided, conflicting classifications (1 of 4 stars). 5 submissions from 5 submitters: Uncertain significance (3); Likely benign (2). Last evaluated 2025-09-19.

Conditions:
Isolated focal cortical dysplasia type II (FCORD2). Also called: Focal cortical dysplasia type II; CORTICAL DYSPLASIA OF TAYLOR. Identifiers: Orphanet 268994, MedGen C1846385, MONDO:0011818, OMIM 607341, HP:0032051.
Hereditary cancer-predisposing syndrome. Also called: Hereditary neoplastic syndrome; Tumor predisposition; Neoplastic Syndromes, Hereditary; Hereditary Cancer Syndrome. Identifiers: Orphanet 140162, MedGen C0027672, MeSH D009386, MONDO:0015356.
Tuberous sclerosis 1 (TSC1). Identifiers: Orphanet 805, MedGen C1854465, MONDO:0008612, OMIM 191100.

Allele frequency attached by ClinVar (database versions not stated): gnomAD exomes below 0.00001; ExAC 0.00001.
gnomAD v4.1: 2 of 1,569,352 alleles (0.00013%); highest among the groups gnomAD compares: Admixed American, 0.004%; no homozygotes.

Submissions (5):

Labcorp Genetics (formerly Invitae), Labcorp
Classification: Likely benign for Tuberous sclerosis 1. Last evaluated: 2025-09-19. Review status: criteria provided, single submitter. Criteria: Invitae Variant Classification Sherloc (09022015). Collection method: clinical testing. Allele origin: germline.

Ambry Genetics
Classification: Likely benign for Hereditary cancer-predisposing syndrome. Last evaluated: 2024-09-21. Review status: criteria provided, single submitter. Criteria: Ambry Variant Classification Scheme 2023. Collection method: clinical testing. Allele origin: germline.

Baylor Genetics
Classification: Uncertain significance for Isolated focal cortical dysplasia type II. Last evaluated: 2023-08-15. Review status: criteria provided, single submitter. Criteria: ACMG Guidelines, 2015. Collection method: clinical testing. Allele origin: unknown.

Genome-Nilou Lab
Classification: Uncertain significance for Tuberous sclerosis 1. Last evaluated: 2021-11-07. Review status: criteria provided, single submitter. Criteria: ACMG Guidelines, 2015. Collection method: clinical testing. Allele origin: germline. Affected: no.

GeneDx
Classification: Uncertain significance. Last evaluated: 2018-10-15. Review status: criteria provided, single submitter. Criteria: GeneDx Variant Classification Process June 2021. Collection method: clinical testing. Allele origin: germline. Affected: yes.
Comment: Not observed in large population cohorts (Lek et al., 2016); In silico analysis, which includes protein predictors and evolutionary conservation, supports that this variant does not alter protein structure/function; Has not been previously published as pathogenic or benign to our knowledge

NM_000368.5(TSC1):c.2635A>G (p.Met879Val)

Gene: TSC1 (TSC complex subunit 1; minus strand). Cytogenetic location: 9q34.13.
Variant type: single nucleotide variant.
Coding change: c.2635A>G on transcript NM_000368.5 (MANE Select); coding-DNA position 2635, A replaced by G.
Protein change: p.Met879Val; replaces methionine 879 with valine.
Molecular consequence: missense variant.
Genome position (GRCh38, 1-based): chr9:132,897,601, T>C on the plus strand (A>G on the coding strand, the complement: TSC1 is on the minus strand). VCF-style: chr9-132897601-T-C. GRCh37 (hg19) VCF-style: chr9-135772988-T-C.
Other names: c.2632A>G, p.Met878Val (NM_001162426.2); c.2482A>G, p.Met828Val (NM_001162427.2); c.2272A>G, p.Met758Val (NM_001362177.2); short protein forms M828V, M878V, M879V, M758V.
Identifiers: ClinVar variation 955141 (VCV000955141.19), dbSNP rs778416424, ClinGen allele CA034033.